The following is an entry in ClinVar:

NM_001298.3(CNGA3):c.1968G>A (p.Met656Ile)

Gene: CNGA3 (cyclic nucleotide gated channel subunit alpha 3; plus strand). Cytogenetic location: 2q11.2.
Variant type: single nucleotide variant.
Coding change: c.1968G>A on transcript NM_001298.3 (MANE Select); coding-DNA position 1968, G replaced by A.
Protein change: p.Met656Ile; replaces methionine 656 with isoleucine.
Molecular consequence: missense variant.
Genome position (GRCh38, 1-based): chr2:98,397,138, G>A. VCF-style: chr2-98397138-G-A. GRCh37 (hg19) VCF-style: chr2-99013601-G-A.
Other names: c.1914G>A, p.Met638Ile (NM_001079878.2); short protein forms M656I, M638I.
Identifiers: ClinVar variation 337669 (VCV000337669.15), dbSNP rs147293818, ClinGen allele CA1794124.

ClinVar aggregate classification (germline): Conflicting classifications of pathogenicity. Review status: criteria provided, conflicting classifications (1 of 4 stars). 4 submissions from 4 submitters: Uncertain significance (1); Likely benign (2). 1 of the submissions does not count toward it. Last evaluated 2025-12-23.

Conditions:
CNGA3-related disorder. Also called: CNGA3-related condition.
Achromatopsia 2 (ACHM2). Also called: COLORBLINDNESS, TOTAL; ROD MONOCHROMACY 2; ROD MONOCHROMATISM 2. Identifiers: Orphanet 49382, MedGen C1857618, MONDO:0009003, OMIM 216900.

Allele frequency attached by ClinVar (database versions not stated): gnomAD exomes 0.00009 and 0.00028; ExAC 0.00036; ESP Exome Variant Server 0.00108; gnomAD 0.00113 and 0.00120; TOPMed 0.00127; 1000 Genomes Project 30x 0.00156; 1000 Genomes Project 0.00160.
gnomAD v4.1: 314 of 1,614,138 alleles (0.019%); highest among the groups gnomAD compares: African/African-American, 0.35%; no homozygotes.

Submissions (4):

Labcorp Genetics (formerly Invitae), Labcorp
Classification: Likely benign. Last evaluated: 2025-12-23. Review status: criteria provided, single submitter. Criteria: Invitae Variant Classification Sherloc (09022015). Collection method: clinical testing. Allele origin: germline.

Blueprint Genetics
Classification: Likely benign. Last evaluated: 2024-11-13. Review status: criteria provided, single submitter. Criteria: ACMG Guidelines, 2015. Collection method: clinical testing. Allele origin: germline.

Illumina Laboratory Services, Illumina
Classification: Uncertain significance for Achromatopsia 2. Last evaluated: 2018-01-12. Review status: criteria provided, single submitter. Criteria: ICSL Variant Classification Criteria 13 December 2019. Collection method: clinical testing. Allele origin: germline.

PreventionGenetics, part of Exact Sciences
Classification: Likely benign for CNGA3-related condition. Last evaluated: 2024-08-12. Review status: no assertion criteria provided. Collection method: clinical testing. Allele origin: germline. Not counted in ClinVar's aggregate classification.
Comment: This variant is classified as likely benign based on ACMG/AMP sequence variant interpretation guidelines (Richards et al. 2015 PMID: 25741868, with internal and published modifications).